The following is an entry in ClinVar:

ClinVar aggregate classification (germline): Benign (1 of 4 stars; one submission).

Conditions:
Familial adenomatous polyposis 1 (FAP1). Also called: POLYPOSIS, ADENOMATOUS INTESTINAL; FAMILIAL ADENOMATOUS POLYPOSIS 1, ATTENUATED. Identifiers: MedGen C2713442, MONDO:0021056, OMIM 175100. Disease mechanism: loss of function.

Allele frequency attached by ClinVar (database versions not stated): gnomAD exomes 0.00001; TOPMed 0.00001.
gnomAD v4.1: 7 of 1,528,154 alleles (0.00046%); highest among the groups gnomAD compares: African/African-American, 0.0028%; no homozygotes.

Submission:

Myriad Genetics, Inc.
Classification: Benign for Familial adenomatous polyposis 1. Last evaluated: 2024-03-08. Review status: criteria provided, single submitter. Criteria: Myriad Autosomal Dominant, Autosomal Recessive and X-Linked Classification Criteria (2023). Collection method: clinical testing. Allele origin: unknown.
Comment: This variant is considered benign. This variant is intronic and is not expected to impact mRNA splicing.

NM_000038.6(APC):c.1958+42A>G

Gene: APC (APC regulator of Wnt signaling pathway; plus strand). Cytogenetic location: 5q22.2.
Variant type: single nucleotide variant.
Coding change: c.1958+42A>G on transcript NM_000038.6 (MANE Select); 42 bases into the intron after coding-DNA position 1958, A replaced by G.
Molecular consequence: intron variant.
Genome position (GRCh38, 1-based): chr5:112,835,207, A>G. VCF-style: chr5-112835207-A-G. GRCh37 (hg19) VCF-style: chr5-112170904-A-G.
Other names: c.1109+42A>G (NM_001407470.1, NM_001354906.2); c.806+42A>G (NM_001407472.1, NM_001407471.1); c.2012+42A>G (NM_001407447.1, NM_001407448.1, NM_001407449.1 and 1 more transcripts); c.1958+42A>G (NM_001354895.2, NM_001407450.1, NM_001127510.3); c.1709+42A>G (NM_001407456.1, NM_001407457.1, NM_001407455.1 and 1 more transcripts); c.1655+42A>G (NM_001407460.1, NM_001407458.1, NM_001407459.1 and 1 more transcripts); c.1928+42A>G (NM_001407452.1); c.1571+42A>G (NM_001407469.1, NM_001407467.1); and 11 more.
Identifiers: ClinVar variation 3148803 (VCV003148803.1), dbSNP rs1445491467, ClinGen allele CA562217603.
Genomic context (GRCh38, chr5:112,835,207, plus strand): 5'-CTACAAATGAGGACCACAGGTATATATAGAGTTTTATATTACTTTTAAAGTACAGAATTC[A>G]TACTCTCAAAAAGACCTAATTGTAAGCAATGTTTTATATAATCATGAAAGTTTTAAGCCA-3'